The following is an entry in ClinVar:

NM_018474.6(KIZ):c.102A>T (p.Arg34Ser)

Gene: KIZ (kizuna centrosomal protein; plus strand). Cytogenetic location: 20p11.23.
Variant type: single nucleotide variant.
Coding change: c.102A>T on transcript NM_018474.6 (MANE Select); coding-DNA position 102, A replaced by T.
Protein change: p.Arg34Ser; replaces arginine 34 with serine.
Molecular consequence: missense variant. On other transcripts: 5 prime UTR variant (4), intron variant (1).
Genome position (GRCh38, 1-based): chr20:21,132,109, A>T. VCF-style: chr20-21132109-A-T. GRCh37 (hg19) VCF-style: chr20-21112750-A-T.
Other names: c.102A>T (NM_018474.4); c.-45A>T (NM_001163022.3, NM_001163023.3, NM_001352435.2); c.102A>T, p.Arg34Ser (NM_001352434.2); c.-285A>T (NM_001352436.2); c.168+5905A>T (NM_001276389.2); short protein forms R34S.
Identifiers: ClinVar variation 1053715 (VCV001053715.8), dbSNP rs749951530, ClinGen allele CA9784590.
Genomic context (GRCh38, chr20:21,132,109, plus strand): 5'-TCCCTGTTACTTATCATGTAATTACTTATAAAATGTTTTTTATTATAGTGAAAAGAAGAG[A>T]TTGGACCTGGAAAAGAAACTTTATGAATATAATCAGTCTGATACATGCAGGTAAGAGACG-3'
Protein context (NP_060944.3, residues 24-44): QHGLRDSEKK[Arg34Ser]LDLEKKLYEY

ClinVar aggregate classification (germline): Uncertain significance. Review status: criteria provided, multiple submitters, no conflicts (2 of 4 stars). 3 submissions from 3 submitters: Uncertain significance (3). Last evaluated 2025-11-08.

Allele frequency attached by ClinVar (database versions not stated): gnomAD exomes 0.00003; gnomAD 0.00004; ExAC 0.00005; TOPMed 0.00005.
gnomAD v4.1: 41 of 1,383,888 alleles (0.003%); highest among the groups gnomAD compares: Admixed American, 0.0061%; no homozygotes.

Submissions (3):

Ambry Genetics
Classification: Uncertain significance. Last evaluated: 2025-11-08. Review status: criteria provided, single submitter. Criteria: Ambry Variant Classification Scheme 2023. Collection method: clinical testing. Allele origin: germline.

Blueprint Genetics
Classification: Uncertain significance. Last evaluated: 2024-08-12. Review status: criteria provided, single submitter. Criteria: ACMG Guidelines, 2015. Collection method: clinical testing. Allele origin: germline.

Labcorp Genetics (formerly Invitae), Labcorp
Classification: Uncertain significance. Last evaluated: 2022-07-06. Review status: criteria provided, single submitter. Criteria: Invitae Variant Classification Sherloc (09022015). Collection method: clinical testing. Allele origin: germline.
Comment: This sequence change replaces arginine, which is basic and polar, with serine, which is neutral and polar, at codon 34 of the KIZ protein (p.Arg34Ser). This variant is present in population databases (rs749951530, gnomAD 0.005%). This variant has not been reported in the literature in individuals affected with KIZ-related conditions. ClinVar contains an entry for this variant (Variation ID: 1053715). Experimental studies and prediction algorithms are not available or were not evaluated, and the functional significance of this variant is currently unknown. In summary, the available evidence is currently insufficient to determine the role of this variant in disease. Therefore, it has been classified as a Variant of Uncertain Significance.